The following is an entry in ClinVar:

NM_000384.3(APOB):c.12G>A (p.Pro4=)

Genes: APOB (apolipoprotein B; minus strand), LOC106560211 (APOB 5' regulatory region; plus strand). Cytogenetic location: 2p24.1.
Variant type: single nucleotide variant.
Coding change: c.12G>A on transcript NM_000384.3 (MANE Select); coding-DNA position 12, G replaced by A.
Protein change: p.Pro4=; no amino-acid change (proline 4 retained).
Molecular consequence: synonymous variant.
Genome position (GRCh38, 1-based): chr2:21,043,934, C>T on the plus strand (G>A on the coding strand, the complement: APOB is on the minus strand). VCF-style: chr2-21043934-C-T. GRCh37 (hg19) VCF-style: chr2-21266806-C-T.
Other names: c.12G>A (NM_000384.2).
Identifiers: ClinVar variation 3762634 (VCV003762634.3).

ClinVar aggregate classification (germline): Likely benign. Review status: criteria provided, multiple submitters, no conflicts (2 of 4 stars). 2 submissions from 2 submitters: Likely benign (2). Last evaluated 2025-10-17.

Conditions:
Familial hypercholesterolemia. Also called: Familial hypercholesterolaemia; Familial hypercholesterolemias. Identifiers: MedGen C0020445, MONDO:0005439.
Familial hypobetalipoproteinemia 1. Also called: Hypobetalipoproteinemia, normotriglyceridemic; Acanthocytosis with hypobetalipoproteinemia; APOB-Related Familial Hypobetalipoproteinemia. Identifiers: MedGen C4551990, MONDO:0014252, OMIM 615558.
Hypercholesterolemia, autosomal dominant, type B (FHCL2). Also called: APOB-Related Familial Hypercholesterolemia, Autosomal Dominant; Familial Hypercholesterolemia Type B; APOLIPOPROTEIN B-100, FAMILIAL DEFECTIVE; APOLIPOPROTEIN B-100, FAMILIAL LIGAND-DEFECTIVE; HYPERCHOLESTEROLEMIA, FAMILIAL, DUE TO LIGAND-DEFECTIVE APOLIPOPROTEIN B; Familial hypercholesterolemia 2. Identifiers: MedGen C1704417, MONDO:0007751, OMIM 144010.

gnomAD v4.1: 15 of 1,361,624 alleles (0.0011%); highest among the groups gnomAD compares: East Asian, 0.0065%; no homozygotes.

Submissions (2):

Labcorp Genetics (formerly Invitae), Labcorp
Classification: Likely benign for Familial hypobetalipoproteinemia 1; Hypercholesterolemia, autosomal dominant, type B. Last evaluated: 2025-10-17. Review status: criteria provided, single submitter. Criteria: Invitae Variant Classification Sherloc (09022015). Collection method: clinical testing. Allele origin: germline.

GENinCode PLC
Classification: Likely benign for Familial hypercholesterolemia. Last evaluated: 2025-05-22. Review status: criteria provided, single submitter. Criteria: ACMG Guidelines, 2015. Collection method: clinical testing. Allele origin: germline.
Comment: This is a synonymous (silent) variant that is not predicted to impact splicing and occurs at a nucleotide which is not highly conserved. This variant has been classified as Likely Benign (BP4, BP7).